The following is an entry in ClinVar:

NM_001127178.3(PIGG):c.738C>G (p.Ile246Met)

Gene: PIGG (phosphatidylinositol glycan anchor biosynthesis class G (EMM blood group); plus strand). Cytogenetic location: 4p16.3.
Variant type: single nucleotide variant.
Coding change: c.738C>G on transcript NM_001127178.3 (MANE Select); coding-DNA position 738, C replaced by G.
Protein change: p.Ile246Met; replaces isoleucine 246 with methionine.
Molecular consequence: missense variant. On other transcripts: 5 prime UTR variant (4), non-coding transcript variant (10), intron variant (1).
Genome position (GRCh38, 1-based): chr4:507,572, C>G. VCF-style: chr4-507572-C-G. GRCh37 (hg19) VCF-style: chr4-501361-C-G.
Other names: c.471C>G, p.Ile157Met (NM_001289051.2, NM_001289053.2, NM_001289057.2 and 2 more transcripts); c.372C>G, p.Ile124Met (NM_001289055.2); c.-150C>G (NM_001345988.2); c.738C>G, p.Ile246Met (NM_001345989.2, NM_017733.5); c.-888C>G (NM_001345990.2); c.-750C>G (NM_001345991.2); c.-475C>G (NM_001345994.2); c.361-1257C>G (NM_001289052.2); short protein forms I157M, I246M, I124M.
Identifiers: ClinVar variation 2055870 (VCV002055870.4), dbSNP rs781975150, ClinGen allele CA355897934.

ClinVar aggregate classification (germline): Uncertain significance (1 of 4 stars; one submission).

Conditions:
Intellectual disability, autosomal recessive 53 (NEDHSCA). Also called: GLYCOSYLPHOSPHATIDYLINOSITOL BIOSYNTHESIS DEFECT 13; Mental retardation, autosomal recessive 53; NEURODEVELOPMENTAL DISORDER WITH OR WITHOUT HYPOTONIA, SEIZURES, AND CEREBELLAR ATROPHY. Identifiers: Orphanet 488635, MedGen C4310794, MONDO:0014832, OMIM 616917.

gnomAD v4.1: 2 of 1,613,498 alleles (0.00012%); highest among the groups gnomAD compares: Non-Finnish European, 0.000085%; no homozygotes.

Submission:

Labcorp Genetics (formerly Invitae), Labcorp
Classification: Uncertain significance for Intellectual disability, autosomal recessive 53. Last evaluated: 2021-12-30. Review status: criteria provided, single submitter. Criteria: Invitae Variant Classification Sherloc (09022015). Collection method: clinical testing. Allele origin: germline.
Comment: Algorithms developed to predict the effect of missense changes on protein structure and function are either unavailable or do not agree on the potential impact of this missense change (SIFT: "Deleterious"; PolyPhen-2: "Probably Damaging"; Align-GVGD: "Class C0"). This variant has not been reported in the literature in individuals affected with PIGG-related conditions. This variant is not present in population databases (gnomAD no frequency). This sequence change replaces isoleucine, which is neutral and non-polar, with methionine, which is neutral and non-polar, at codon 246 of the PIGG protein (p.Ile246Met). In summary, the available evidence is currently insufficient to determine the role of this variant in disease. Therefore, it has been classified as a Variant of Uncertain Significance.